The following continues an entry in ClinVar:

NM_000402.4(G6PD):c.185A>G (p.His62Arg)

ClinVar aggregate classification (germline): Pathogenic/Likely pathogenic. Pathogenic (15); Likely pathogenic (1).

Submissions 12 to 17 of 17:

Ambry Genetics
Classification: Pathogenic for Inborn genetic diseases. Last evaluated: 2022-09-12. Review status: criteria provided, single submitter. Criteria: Ambry Variant Classification Scheme 2023. Collection method: clinical testing. Allele origin: germline.
Comment: The c.95A>G (p.H32R) alteration is located in exon 2 (coding exon 1) of the G6PD gene. This alteration results from an A to G substitution at nucleotide position 95, causing the histidine (H) at amino acid position 32 to be replaced by an arginine (R). Based on data from gnomAD, the G allele has an overall frequency of 0.014% (29/204635) total alleles studied. The highest observed frequency was 0.196% (29/14827) of East Asian alleles. This variant accounts for more than 20% of pathogenic alleles in the Chinese population and has been detected alone or in conjunction with another G6PD variant in individuals with G6PD deficiency (Chiu, 1993; Zhong, 2018; Chen, 2018; Fu, 2018; Ohlsson, 2019; He, 2020; Wang, 2021; Xu, 2021; Pan, 2021; Xu, 2022). This amino acid position is highly conserved in available vertebrate species. This alteration is predicted to be deleterious by in silico analysis. Based on the available evidence, this alteration is classified as pathogenic.

Dunham Lab, University of Washington
Classification: Pathogenic for Anemia, nonspherocytic hemolytic, due to G6PD deficiency. Last evaluated: 2022-08-12. Review status: criteria provided, single submitter. Criteria: Bayesian ACMG Guidelines, 2018. Collection method: curation. Allele origin: unknown. Affected: yes.
Comment: Variant found in hemizygtes with G6PD deficiency, some with anemia and jaundice (PP4). Decreased activity in red blood cells of hemizygotes (0-38%) (PS3). Identified in unrelated individuals with G6PD deficiency (PS4_M). Modeling predicts disruption of function (PP3). Below expected carrier frequency in gnomAD (PM2). Post_P 0.994 (odds of pathogenicity 1517, Prior_P 0.1).

Mendelics
Classification: Pathogenic for Anemia, nonspherocytic hemolytic, due to G6PD deficiency. Last evaluated: 2022-05-27. Review status: criteria provided, single submitter. Criteria: Mendelics Assertion Criteria 2017. Collection method: clinical testing. Allele origin: unknown.

Victorian Clinical Genetics Services, Murdoch Childrens Research Institute
Classification: Pathogenic for Anemia, nonspherocytic hemolytic, due to G6PD deficiency. Last evaluated: 2022-02-02. Review status: criteria provided, single submitter. Criteria: ACMG Guidelines, 2015. Collection method: clinical testing. Allele origin: germline. Inheritance: X-linked recessive inheritance.
Comment: Based on the classification scheme VCGS_Germline_v1.3.4, this variant is classified as Pathogenic. Following criteria are met: 0102 - Loss of function is a known mechanism of disease in this gene and is associated with G6PD deficient haemolytic anaemia (favism). (I) 0109 - This gene is associated with X-linked recessive disease. Hemizygous males and homozygous females are commonly affected, however some heterozygous female carriers can also be affected depending on X inactivation. (I) 0200 - Variant is predicted to result in a missense amino acid change from histidine to arginine. (I) 0251 - This variant is heterozygous. (I) 0304 - Variant is present in gnomAD (v2) <0.01 for a recessive condition (22 heterozygotes, 0 homozygotes, 7 hemizygotes). (SP) 0502 - Missense variant with conflicting in silico predictions and uninformative conservation. (I) 0604 - Variant is not located in an established domain, motif, hotspot or informative constraint region. (I) 0801 - This variant has strong previous evidence of pathogenicity in unrelated individuals. This founder mutation in Asian population that is also known as G6PD Gaohe have been reported in multiple individuals with G6PD deficiency (ClinVar, PMID: 29339739, 33051526). (SP) Legend: (SP) - Supporting pathogenic, (I) - Information, (SB) - Supporting benign

Juno Genomics, Hangzhou Juno Genomics, Inc
Classification: Pathogenic for Anemia, nonspherocytic hemolytic, due to G6PD deficiency; Malaria, susceptibility to. Review status: criteria provided, single submitter. Criteria: ACMG Guidelines, 2015. Collection method: clinical testing. Allele origin: germline. Affected: yes.
Comment: The prevalence of the variant in affected individuals is significantly increased compared to the prevalence in controls.;Patient's phenotype or family history is highly specific for a disease with a single genetic etiology.;Well-established in vitro or in vivo functional studies supportive of a damaging effect on the gene or gene product.;Located in a mutational hot spot and/or critical and well-established functional domain (e.g. active site of an enzyme) without benign variation.;Novel missense change at an amino acid residue where a different missense change determined to be pathogenic has been seen before.

OMIM
Classification: other for G6PD GAOHE. Last evaluated: 2023-09-05. Review status: no assertion criteria provided. Collection method: literature only. Allele origin: germline. Not counted in ClinVar's aggregate classification.

Literature cited by the submitters: PubMed 34134107 (cited by Department of Otolaryngology Head and Neck Surgery, Hainan Hospital of the Chinese People’s Liberation Army General Hospital); PubMed 36315991 (cited by Department of Otolaryngology Head and Neck Surgery, Hainan Hospital of the Chinese People’s Liberation Army General Hospital); PubMed 10502785 (cited by 3 submitters); PubMed 11601226 (cited by Labcorp Genetics (formerly Invitae), Labcorp); PubMed 16329560 (cited by Labcorp Genetics (formerly Invitae), Labcorp and Dunham Lab, University of Washington); PubMed 29339739 (cited by 5 submitters); PubMed 30315739 (cited by Labcorp Genetics (formerly Invitae), Labcorp and Ambry Genetics); PubMed 36704359 (cited by Variantyx, Inc.); PubMed 31793705 (cited by Variantyx, Inc.); PubMed 32602432 (cited by Variantyx, Inc.); PubMed 33051526 (cited by 3 submitters); PubMed 16607506 (cited by Women's Health and Genetics/Laboratory Corporation of America, LabCorp and Dunham Lab, University of Washington); PubMed 36353116 (cited by Women's Health and Genetics/Laboratory Corporation of America, LabCorp); PubMed 8471773 (cited by 3 submitters); PubMed 30045279 (cited by Ambry Genetics and Dunham Lab, University of Washington); PubMed 33072997 (cited by Ambry Genetics and Dunham Lab, University of Washington); PubMed 34659341 (cited by Ambry Genetics); PubMed 34762759 (cited by Ambry Genetics); PubMed 34895177 (cited by Ambry Genetics); PubMed 35313968 (cited by Ambry Genetics); PubMed 15727905 (cited by Dunham Lab, University of Washington); PubMed 31863082 (cited by Dunham Lab, University of Washington); PubMed 8244337 (cited by Dunham Lab, University of Washington); PubMed 12064920 (cited by Dunham Lab, University of Washington); PubMed 7803800 (cited by Dunham Lab, University of Washington); PubMed 1945893 (cited by Dunham Lab, University of Washington); PubMed 3198117 (cited by Dunham Lab, University of Washington); PubMed 9589612 (cited by Dunham Lab, University of Washington); PubMed 31489982 (cited by Dunham Lab, University of Washington); PubMed 35840819 (cited by Dunham Lab, University of Washington); PubMed 6805883 (cited by OMIM).